The following is an entry in ClinVar:

NM_000512.5(GALNS):c.1243-2A>C

Gene: GALNS (galactosamine (N-acetyl)-6-sulfatase; minus strand). Cytogenetic location: 16q24.3.
Variant type: single nucleotide variant.
Coding change: c.1243-2A>C on transcript NM_000512.5 (MANE Select); the canonical splice acceptor site of the intron before coding-DNA position 1243, A replaced by C.
Molecular consequence: splice acceptor variant.
Genome position (GRCh38, 1-based): chr16:88,822,712, T>G on the plus strand (A>C on the coding strand, the complement: GALNS is on the minus strand). VCF-style: chr16-88822712-T-G. GRCh37 (hg19) VCF-style: chr16-88889120-T-G.
Other names: c.688-2A>C (NM_001323543.2); c.1261-2A>C (NM_001323544.2).
Identifiers: ClinVar variation 1685324 (VCV001685324.2), dbSNP rs2142992422, ClinGen allele CA397096523.

ClinVar aggregate classification (germline): Likely pathogenic. Review status: criteria provided, multiple submitters, no conflicts (2 of 4 stars). 2 submissions from 2 submitters: Likely pathogenic (2). Last evaluated 2025-12-28.

Conditions:
Mucopolysaccharidosis, MPS-IV-A (MPS4A). Also called: Morquio syndrome A, mild; MORQUIO SYNDROME A; GALACTOSAMINE-6-SULFATASE DEFICIENCY; GALNS DEFICIENCY; MORQUIO A DISEASE; Mucopolysaccharidosis type IV A. Identifiers: Orphanet 309297, Orphanet 582, MedGen C0086651, MONDO:0009659, OMIM 253000.

Submissions (2):

Labcorp Genetics (formerly Invitae), Labcorp
Classification: Likely pathogenic for Mucopolysaccharidosis, MPS-IV-A. Last evaluated: 2025-12-28. Review status: criteria provided, single submitter. Criteria: Invitae Variant Classification Sherloc (09022015). Collection method: clinical testing. Allele origin: germline.
Comment: This sequence change affects an acceptor splice site in intron 11 of the GALNS gene. It is expected to disrupt RNA splicing. Variants that disrupt the donor or acceptor splice site typically lead to a loss of protein function (PMID: 16199547), and loss-of-function variants in GALNS are known to be pathogenic (PMID: 12442278). This variant is not present in population databases (gnomAD no frequency). This variant has not been reported in the literature in individuals affected with GALNS-related conditions. ClinVar contains an entry for this variant (Variation ID: 1685324). Algorithms developed to predict the effect of sequence changes on RNA splicing suggest that this variant may disrupt the consensus splice site. In summary, the currently available evidence indicates that the variant is pathogenic, but additional data are needed to prove that conclusively. Therefore, this variant has been classified as Likely Pathogenic.

Mendelics
Classification: Likely pathogenic for Mucopolysaccharidosis, MPS-IV-A. Last evaluated: 2022-05-04. Review status: criteria provided, single submitter. Criteria: Mendelics Assertion Criteria 2019. Collection method: clinical testing. Allele origin: germline.

Literature cited by the submitters: PubMed 16199547 (cited by Labcorp Genetics (formerly Invitae), Labcorp); PubMed 12442278 (cited by Labcorp Genetics (formerly Invitae), Labcorp).